The following is an entry in ClinVar:

NM_017882.3(CLN6):c.108G>T (p.Glu36Asp)

Gene: CLN6 (CLN6 transmembrane ER protein; minus strand). Cytogenetic location: 15q23.
Variant type: single nucleotide variant.
Coding change: c.108G>T on transcript NM_017882.3 (MANE Select); coding-DNA position 108, G replaced by T.
Protein change: p.Glu36Asp; replaces glutamic acid 36 with aspartic acid.
Molecular consequence: missense variant.
Genome position (GRCh38, 1-based): chr15:68,218,626, C>A on the plus strand (G>T on the coding strand, the complement: CLN6 is on the minus strand). VCF-style: chr15-68218626-C-A. GRCh37 (hg19) VCF-style: chr15-68510964-C-A.
Other names: short protein forms E36D.
Identifiers: ClinVar variation 1448512 (VCV001448512.24), dbSNP rs1226528243, ClinGen allele CA392975871.

ClinVar aggregate classification (germline): Uncertain significance. Review status: criteria provided, multiple submitters, no conflicts (2 of 4 stars). 2 submissions from 2 submitters: Uncertain significance (2). Last evaluated 2024-05-01.

Conditions:
Neuronal ceroid lipofuscinosis. Also called: Neuronal Ceroid Lipofuscinoses. Identifiers: Orphanet 216, Orphanet 79263, MedGen C0027877, MONDO:0016295. Disease mechanism: loss of function.

Allele frequency attached by ClinVar (database versions not stated): gnomAD exomes below 0.00001 and 0.00001; TOPMed 0.00001.

Submissions (2):

CeGaT Center for Human Genetics Tuebingen
Classification: Uncertain significance. Last evaluated: 2024-05-01. Review status: criteria provided, single submitter. Criteria: CeGaT Center For Human Genetics Tuebingen Variant Classification Criteria Version 2. Collection method: clinical testing. Allele origin: germline. Affected: yes. Observed: 1 variant allele.
Comment: CLN6: PM2

Labcorp Genetics (formerly Invitae), Labcorp
Classification: Uncertain significance for Neuronal ceroid lipofuscinosis. Last evaluated: 2022-07-14. Review status: criteria provided, single submitter. Criteria: Invitae Variant Classification Sherloc (09022015). Collection method: clinical testing. Allele origin: germline.
Comment: This sequence change replaces glutamic acid, which is acidic and polar, with aspartic acid, which is acidic and polar, at codon 36 of the CLN6 protein (p.Glu36Asp). This variant is present in population databases (no rsID available, gnomAD 0.0009%). This variant has not been reported in the literature in individuals affected with CLN6-related conditions. ClinVar contains an entry for this variant (Variation ID: 1448512). Algorithms developed to predict the effect of missense changes on protein structure and function output the following: SIFT: "Tolerated"; PolyPhen-2: "Benign"; Align-GVGD: "Class C0". The aspartic acid amino acid residue is found in multiple mammalian species, which suggests that this missense change does not adversely affect protein function. In summary, the available evidence is currently insufficient to determine the role of this variant in disease. Therefore, it has been classified as a Variant of Uncertain Significance.